The following is an entry in ClinVar:

NM_007294.4(BRCA1):c.1923dup (p.Asp642Ter)

Gene: BRCA1 (BRCA1 DNA repair associated; minus strand). Cytogenetic location: 17q21.31.
Variant type: Duplication.
Coding change: c.1923dup on transcript NM_007294.4 (MANE Select); coding-DNA position 1923, one base duplicated (T; older notation c.1923dupT).
Protein change: p.Asp642Ter; replaces aspartic acid 642 with a stop codon.
Molecular consequence: nonsense. On other transcripts: frameshift variant (1), intron variant (137).
Genome position (GRCh38, 1-based): chr17:43,093,608, A duplicated on the plus strand (T on the coding strand, the reverse complement: BRCA1 is on the minus strand); the first of 2 consecutive A bases (chr17:43,093,608-43,093,609); duplicating either gives the same sequence. VCF-style (leftmost placement, unchanged base first): chr17-43093607-C-CA. GRCh37 (hg19) VCF-style: chr17-41245624-C-CA.
Other names: c.1923dupT (NM_007294.3); c.1710dup, p.Asp571Ter (NM_001407571.1, NM_001407853.1, NM_001407894.1 and 9 more transcripts); c.1923dup, p.Asp642Ter (NM_001407581.1, NM_001407582.1, NM_001407583.1 and 30 more transcripts); c.1920dup, p.Asp641Ter (NM_001407587.1, NM_001407590.1, NM_001407591.1 and 22 more transcripts); c.1914dup, p.Asp639Ter (NM_001407646.1, NM_001407647.1); c.1800dup, p.Asp601Ter (NM_001407648.1, NM_001407664.1, NM_001407665.1 and 19 more transcripts); c.1797dup, p.Asp600Ter (NM_001407649.1, NM_001407670.1, NM_001407671.1 and 11 more transcripts); c.1845dup, p.Asp616Ter (NM_001407653.1, NM_001407654.1, NM_001407655.1 and 4 more transcripts); and 41 more; short protein forms D595*, D642*, D515*, D554*, D615*, D641*, D474*, D514*.
Identifiers: ClinVar variation 240777 (VCV000240777.10), dbSNP rs878854935, ClinGen allele CA10583576.

ClinVar aggregate classification (germline): Pathogenic. Review status: reviewed by expert panel (3 of 4 stars). 4 submissions from 4 submitters: Pathogenic (1). 3 of the submissions do not count toward it. Last evaluated 2017-12-15.

Conditions:
Hereditary breast ovarian cancer syndrome. Also called: Hereditary breast and ovarian cancer syndrome (HBOC); Breast and ovarian cancer; Hereditary breast and ovarian cancer syndrome; Hereditary breast and ovarian cancer; BRCA1- and BRCA2-Associated Hereditary Breast and Ovarian Cancer; Hereditary breast and/or ovarian cancer syndrome. Identifiers: Orphanet 145, MedGen C0677776, MeSH D061325, MONDO:0003582. Disease mechanism: loss of function.
Breast-ovarian cancer, familial, susceptibility to, 1 (BROVCA1). Also called: BRCA1 Hereditary Breast and Ovarian Cancer; OVARIAN CANCER, SUSCEPTIBILITY TO. Identifiers: Orphanet 145, MedGen C2676676, MONDO:0011450, OMIM 604370. Disease mechanism: loss of function.

Submissions (4):

Evidence-based Network for the Interpretation of Germline Mutant Alleles (ENIGMA)
Classification: Pathogenic for Breast-ovarian cancer, familial, susceptibility to, 1. Last evaluated: 2017-12-15. Review status: reviewed by expert panel. Criteria: ENIGMA BRCA1/2 Classification Criteria (2017-06-29). Collection method: curation. Allele origin: germline. Study: ENIGMA.
Comment: Variant allele predicted to encode a truncated non-functional protein.

Labcorp Genetics (formerly Invitae), Labcorp
Classification: Pathogenic for Hereditary breast ovarian cancer syndrome. Last evaluated: 2025-05-19. Review status: criteria provided, single submitter. Criteria: Invitae Variant Classification Sherloc (09022015). Collection method: clinical testing. Allele origin: germline. Not counted in ClinVar's aggregate classification.
Comment: This sequence change creates a premature translational stop signal (p.Asp642*) in the BRCA1 gene. It is expected to result in an absent or disrupted protein product. Loss-of-function variants in BRCA1 are known to be pathogenic (PMID: 20104584). This variant is not present in population databases (gnomAD no frequency). This variant has not been reported in the literature in individuals affected with BRCA1-related conditions. ClinVar contains an entry for this variant (Variation ID: 240777). For these reasons, this variant has been classified as Pathogenic.

Baylor Genetics
Classification: Likely pathogenic for Breast-ovarian cancer, familial, susceptibility to, 1. Last evaluated: 2023-02-22. Review status: criteria provided, single submitter. Criteria: ACMG Guidelines, 2015. Collection method: clinical testing. Allele origin: unknown. Not counted in ClinVar's aggregate classification.

Research Molecular Genetics Laboratory, Women's College Hospital, University of Toronto
Classification: Pathogenic for Hereditary breast ovarian cancer syndrome. Last evaluated: 2014-01-31. Review status: no assertion criteria provided. Collection method: research. Allele origin: germline. Affected: yes. Study: The Canadian Open Genetics Repository (COGR). Not counted in ClinVar's aggregate classification.

Literature cited by the submitters: PubMed 20104584 (cited by Labcorp Genetics (formerly Invitae), Labcorp).